The following is an entry in ClinVar:

ClinVar aggregate classification (germline): Pathogenic (1 of 4 stars; one submission).

gnomAD v4.1: 3 of 1,614,046 alleles (0.00019%); highest among the groups gnomAD compares: Non-Finnish European, 0.00017%; no homozygotes.

Submission:

Labcorp Genetics (formerly Invitae), Labcorp
Classification: Pathogenic. Last evaluated: 2025-10-12. Review status: criteria provided, single submitter. Criteria: Invitae Variant Classification Sherloc (09022015). Collection method: clinical testing. Allele origin: germline.
Comment: This sequence change creates a premature translational stop signal (p.Trp809*) in the ADAMTS17 gene. It is expected to result in an absent or disrupted protein product. Loss-of-function variants in ADAMTS17 are known to be pathogenic (PMID: 19836009, 24940034). This variant is not present in population databases (gnomAD no frequency). This variant has not been reported in the literature in individuals affected with ADAMTS17-related conditions. ClinVar contains an entry for this variant (Variation ID: 3685433). For these reasons, this variant has been classified as Pathogenic.

Literature cited by the submitters: PubMed 19836009; PubMed 24940034.

NM_139057.4(ADAMTS17):c.2426G>A (p.Trp809Ter)

Gene: ADAMTS17 (ADAM metallopeptidase with thrombospondin type 1 motif 17; minus strand). Cytogenetic location: 15q26.3.
Variant type: single nucleotide variant.
Coding change: c.2426G>A on transcript NM_139057.4 (MANE Select); coding-DNA position 2426, G replaced by A.
Protein change: p.Trp809Ter; replaces tryptophan 809 with a stop codon.
Molecular consequence: nonsense.
Genome position (GRCh38, 1-based): chr15:100,051,601, C>T on the plus strand (G>A on the coding strand, the complement: ADAMTS17 is on the minus strand). VCF-style: chr15-100051601-C-T. GRCh37 (hg19) VCF-style: chr15-100591806-C-T.
Other names: short protein forms W809*.
Identifiers: ClinVar variation 3685433 (VCV003685433.2).